The following is an entry in ClinVar:

ClinVar aggregate classification (germline): Benign. Review status: criteria provided, multiple submitters, no conflicts (2 of 4 stars). 5 submissions from 5 submitters: Benign (5). Last evaluated 2026-01-28.

Conditions:
Hearing loss, X-linked 6. Also called: Deafness, X-linked 6. Identifiers: Orphanet 90625, MedGen C3806737, MONDO:0010484, OMIM 300914.

Allele frequency attached by ClinVar (database versions not stated): gnomAD exomes 0.00116 and 0.00346; ExAC 0.00464; gnomAD 0.01194 and 0.01271; TOPMed 0.01350; ESP Exome Variant Server 0.01657; 1000 Genomes Project 0.01722; 1000 Genomes Project 30x 0.01811.
gnomAD v4.1: 2,688 of 1,207,361 alleles (0.22%); highest among the groups gnomAD compares: African/African-American, 4%; 39 homozygotes.

Submissions (5):

Labcorp Genetics (formerly Invitae), Labcorp
Classification: Benign. Last evaluated: 2026-01-28. Review status: criteria provided, single submitter. Criteria: Invitae Variant Classification Sherloc (09022015). Collection method: clinical testing. Allele origin: germline.

Mayo Clinic Laboratories, Mayo Clinic
Classification: Benign. Last evaluated: 2025-08-22. Review status: criteria provided, single submitter. Criteria: ACMG Guidelines, 2015. Collection method: clinical testing. Allele origin: germline. Observed: 1 variant allele.
Comment: BS1, BS2, BP4, BP7

Genome-Nilou Lab
Classification: Benign for Hearing loss, X-linked 6. Last evaluated: 2022-03-15. Review status: criteria provided, single submitter. Criteria: ACMG Guidelines, 2015. Collection method: clinical testing. Allele origin: germline. Affected: no.

GeneDx
Classification: Benign. Last evaluated: 2018-01-29. Review status: criteria provided, single submitter. Criteria: GeneDx Variant Classification (06012015). Collection method: clinical testing. Allele origin: germline. Affected: yes.
Comment: This variant is considered likely benign or benign based on one or more of the following criteria: it is a conservative change, it occurs at a poorly conserved position in the protein, it is predicted to be benign by multiple in silico algorithms, and/or has population frequency not consistent with disease.

Breakthrough Genomics
Classification: Benign. Review status: criteria provided, single submitter. Criteria: ACMG Guidelines, 2015. Collection method: not provided. Allele origin: germline. Inheritance: X-linked inheritance. Affected: yes.

NM_033641.4(COL4A6):c.303T>C (p.Phe101=)

Gene: COL4A6 (collagen type IV alpha 6 chain; minus strand). Cytogenetic location: Xq22.3.
Variant type: single nucleotide variant.
Coding change: c.303T>C on transcript NM_033641.4 (MANE Select); coding-DNA position 303, T replaced by C.
Protein change: p.Phe101=; no amino-acid change (phenylalanine 101 retained).
Molecular consequence: synonymous variant.
Genome position (GRCh38, 1-based): chrX:108,219,719, A>G on the plus strand (T>C on the coding strand, the complement: COL4A6 is on the minus strand). VCF-style: chrX-108219719-A-G. GRCh37 (hg19) VCF-style: chrX-107462949-A-G.
Other names: p.Phe102=; c.303T>C, p.Phe101= (NM_001287758.2, NM_001287759.2, NM_001287760.2); c.306T>C, p.Phe102= (NM_001847.4).
Identifiers: ClinVar variation 514998 (VCV000514998.14), dbSNP rs149820261, ClinGen allele CA10488203.